The following is an entry in ClinVar:

NM_000207.3(INS):c.17G>A (p.Arg6His)

Genes: INS (insulin; minus strand), INS-IGF2 (INS-IGF2 readthrough; minus strand). Cytogenetic location: 11p15.5.
Variant type: single nucleotide variant.
Coding change: c.17G>A on transcript NM_000207.3 (MANE Select); coding-DNA position 17, G replaced by A.
Protein change: p.Arg6His; replaces arginine 6 with histidine.
Molecular consequence: missense variant. On other transcripts: non-coding transcript variant (1).
Genome position (GRCh38, 1-based): chr11:2,160,955, C>T on the plus strand (G>A on the coding strand, the complement: INS is on the minus strand). VCF-style: chr11-2160955-C-T. GRCh37 (hg19) VCF-style: chr11-2182185-C-T.
Other names: c.17G>A, p.Arg6His (NM_001185097.2, NM_001185098.2, NM_001291897.2 and 1 more transcripts); short protein forms R6H.
Identifiers: ClinVar variation 68727 (VCV000068727.13), dbSNP rs121908259, ClinGen allele CA145259.

ClinVar aggregate classification (germline): Conflicting classifications of pathogenicity. Review status: criteria provided, conflicting classifications (1 of 4 stars). 9 submissions from 9 submitters: Likely pathogenic (1); Uncertain significance (6); Uncertain risk allele (1). 1 of the submissions does not count toward it. Last evaluated 2026-04-09.

Conditions:
Type 1 diabetes mellitus 2. Identifiers: MedGen C1852092, MONDO:0007454, OMIM 125852.
Diabetes mellitus, permanent neonatal 4. Also called: INS-Related Permanent Neonatal Diabetes Mellitus. Identifiers: MedGen C5394307, MONDO:0030089, OMIM 618858.
Maturity-onset diabetes of the young type 10. Identifiers: Orphanet 552, MedGen C3150617, MONDO:0013240, OMIM 613370.
Hyperproinsulinemia. Identifiers: MedGen C0342283, MONDO:0014535, OMIM 616214.
INS-related disorder. Also called: INS-related condition.

Allele frequency attached by ClinVar (database versions not stated): ExAC 0.00007; gnomAD exomes 0.00009; ESP Exome Variant Server 0.00015; gnomAD 0.00019; TOPMed 0.00020.
gnomAD v4.1: 159 of 1,612,270 alleles (0.0099%); highest among the groups gnomAD compares: African/African-American, 0.057%; no homozygotes.

Submissions (9):

Dasa
Classification: Uncertain significance. Last evaluated: 2026-04-09. Review status: criteria provided, single submitter. Criteria: DASA Assertion Criteria. Collection method: clinical testing. Allele origin: germline.
Comment: NM_000207.3(INS):c.17G>A (p.Arg6His) is a missense variant that results in the substitution of arginine with histidine. This variant has been recurrently observed in individuals with INS-related disorders (PMID: 20007936; PMID: 24097065; PMID: 29758564; PMID: 24770419). Segregation data support an association with disease in the reported family/families (PMID: 20007936; PMID: 24097065; PMID: 29758564; PMID: 24770419). Also, this variant is rare in population databases. The currently available literature and clinical evidence are not sufficient to establish a definitive association between this variant and the reported condition. Therefore, this variant is classified as a variant of uncertain significance.

GeneDx
Classification: Uncertain significance. Last evaluated: 2026-02-09. Review status: criteria provided, single submitter. Criteria: GeneDx Variant Classification Process June 2021. Collection method: clinical testing. Allele origin: germline.
Comment: Published functional studies suggest a damaging effect on conversion of preproinsulin to mature proinsulin (PMID: 24770419); In silico analysis suggests that this missense variant does not alter protein structure/function; This variant is associated with the following publications: (PMID: 34426522, 20007936, 24097065, 39717432, 34362814, 29758564, 20226046, 24770419)

Labcorp Genetics (formerly Invitae), Labcorp
Classification: Uncertain significance. Last evaluated: 2025-12-17. Review status: criteria provided, single submitter. Criteria: Invitae Variant Classification Sherloc (09022015). Collection method: clinical testing. Allele origin: germline.
Comment: This sequence change replaces arginine, which is basic and polar, with histidine, which is basic and polar, at codon 6 of the INS protein (p.Arg6His). This variant is present in population databases (rs121908259, gnomAD 0.03%). This missense change has been observed in individual(s) with autosomal dominant maturity onset diabetes of the young or type 2 diabetes (PMID: 20007936, 24097065, 29758564, 34362814). ClinVar contains an entry for this variant (Variation ID: 68727). An algorithm developed to predict the effect of missense changes on protein structure and function outputs the following: PolyPhen-2: "Not Available". The histidine amino acid residue is found in multiple mammalian species, which suggests that this missense change does not adversely affect protein function. Experimental studies have shown that this missense change affects INS function (PMID: 20007936, 24770419). In summary, the available evidence is currently insufficient to determine the role of this variant in disease. Therefore, it has been classified as a Variant of Uncertain Significance.

PreventionGenetics, part of Exact Sciences
Classification: Uncertain significance for INS-related condition. Last evaluated: 2025-06-26. Review status: criteria provided, single submitter. Criteria: ACMG Guidelines, 2015. Collection method: clinical testing. Allele origin: germline.
Comment: The INS c.17G>A variant is predicted to result in the amino acid substitution p.Arg6His. This variant has been reported in individuals with Maturity Onset Diabetes of the Young (MODY) (Meur et al 2010. PubMed ID: 20007936; de Santana et al. 2019. PubMed ID: 31595705). In vitro function studies indicate that this variant leads to impaired preproinsulin translocation across the endoplasmic reticulum membrane and accumulation of untranslocated preproinsulin in cytosol (Guo H et al 2014. PubMed ID: 24770419). However, another study showed that secretion of this mutant protein was not significantly different from wild type (Meur et al 2010. PubMed ID: 20007936). This variant is reported in 0.032% of alleles i n individuals of African descent in gnomAD. At this time, the clinical significance of this variant is uncertain due to the absence of conclusive functional and genetic evidence.

Blueprint Genetics
Classification: Uncertain significance. Last evaluated: 2024-11-19. Review status: criteria provided, single submitter. Criteria: ACMG Guidelines, 2015. Collection method: clinical testing. Allele origin: germline.

Fulgent Genetics
Classification: Uncertain significance for Type 1 diabetes mellitus 2; Maturity-onset diabetes of the young type 10; Hyperproinsulinemia; Diabetes mellitus, permanent neonatal 4. Last evaluated: 2024-06-18. Review status: criteria provided, single submitter. Criteria: ACMG Guidelines, 2015. Collection method: clinical testing. Allele origin: germline.

Department of Pathology and Laboratory Medicine, Sinai Health System
Classification: Likely pathogenic for Diabetes mellitus, permanent neonatal 4; Type 1 diabetes mellitus 2; Maturity-onset diabetes of the young type 10. Last evaluated: 2023-07-11. Review status: criteria provided, single submitter. Criteria: ACMG Guidelines, 2015. Collection method: research. Allele origin: germline.

Clinical Genomics, Uppaluri K&H Personalized Medicine Clinic
Classification: Uncertain risk allele for Maturity-onset diabetes of the young type 10. Review status: criteria provided, single submitter. Criteria: K &amp; H Uppaluri Personalized Medicine Clinic Variant Classification &amp; Assertion Criteria_Updated V.1. Collection method: research. Allele origin: unknown. Inheritance: Autosomal dominant inheritance.
Comment: Potent mutations in the INS gene can cause early onset diabetes mellitus which is insulin dependent. May have poor response to sulfonylureas, mutations in this gene can cause beta cell destruction.Sufficient evidence is found to confer the association of this particular R6H/rs121908259 with Maturity-onset diabetes of the young (MODY).

UniProtKB/Swiss-Prot
No classification provided. Condition: Maturity-onset diabetes of the young, type 10. Review status: no classification provided. Collection method: not provided. Allele origin: not provided. Not counted in ClinVar's aggregate classification.

Literature cited by the submitters: PubMed 20007936 (cited by 3 submitters); PubMed 24097065 (cited by Dasa and Labcorp Genetics (formerly Invitae), Labcorp); PubMed 29758564 (cited by 3 submitters); PubMed 24770419 (cited by Dasa and Labcorp Genetics (formerly Invitae), Labcorp); PubMed 34362814 (cited by Labcorp Genetics (formerly Invitae), Labcorp); PubMed 20226046 (cited by Clinical Genomics, Uppaluri K&H Personalized Medicine Clinic); PubMed 20938745 (cited by Clinical Genomics, Uppaluri K&H Personalized Medicine Clinic).